The following is an entry in ClinVar:

ClinVar aggregate classification (germline): Conflicting classifications of pathogenicity. Review status: criteria provided, conflicting classifications (1 of 4 stars). 2 submissions from 2 submitters: Uncertain significance (1); Likely benign (1). Last evaluated 2026-03-14.

Conditions:
Inborn genetic diseases. Identifiers: MedGen C0950123, MeSH D030342.
Patent ductus arteriosus 3 (PDA3). Identifiers: MedGen C4310753, MONDO:0024266, OMIM 617039.

gnomAD v4.1: 4 of 1,551,742 alleles (0.00026%); highest among the groups gnomAD compares: South Asian, 0.0012%; no homozygotes.

Submissions (2):

Centre for Medical Genetics,  Mumbai
Classification: Likely benign for Patent ductus arteriosus 3. Last evaluated: 2026-03-14. Review status: criteria provided, single submitter. Criteria: ACMG Guidelines, 2015. Collection method: provider interpretation. Allele origin: germline. Inheritance: Autosomal dominant inheritance. Affected: no. Observed: 1 variant allele, 1 heterozygote.
Comment: The variant satisfies PM2 criteria; Extremely low frequency in gnomAD population databases. However, the variant satisfies BS2 criteria.

Ambry Genetics
Classification: Uncertain significance for Inborn genetic diseases. Last evaluated: 2025-11-06. Review status: criteria provided, single submitter. Criteria: Ambry Variant Classification Scheme 2023. Collection method: clinical testing. Allele origin: germline.

Literature cited by the submitters: PubMed 27181681 (cited by Centre for Medical Genetics,  Mumbai).

NM_001136239.4(PRDM6):c.985G>T (p.Ala329Ser)

Gene: PRDM6 (PR/SET domain 6; plus strand). Cytogenetic location: 5q23.2.
Variant type: single nucleotide variant.
Coding change: c.985G>T on transcript NM_001136239.4 (MANE Select); coding-DNA position 985, G replaced by T.
Protein change: p.Ala329Ser; replaces alanine 329 with serine.
Molecular consequence: missense variant.
Genome position (GRCh38, 1-based): chr5:123,155,968, G>T. VCF-style: chr5-123155968-G-T. GRCh37 (hg19) VCF-style: chr5-122491662-G-T.
Other names: short protein forms A329S.
Identifiers: ClinVar variation 4628354 (VCV004628354.2).
Genomic context (GRCh38, chr5:123,155,968, plus strand): 5'-CAGCACTTTATTGATGGTGGGGAACCTAGTAAGTCGAGCTGGATGAGGTATATCCGATGT[G>T]CAAGGCACTGCGGAGAACAGAATCTAACAGTAGTTCAGTACAGGTAAAGTATATCTTGAT-3'
Protein context (NP_001129711.1, residues 319-339): KSSWMRYIRC[Ala329Ser]RHCGEQNLTV